The following is an entry in ClinVar:

NM_001365536.1(SCN9A):c.466G>A (p.Glu156Lys)

Gene: SCN9A (sodium voltage-gated channel alpha subunit 9; minus strand). Cytogenetic location: 2q24.3.
Variant type: single nucleotide variant.
Coding change: c.466G>A on transcript NM_001365536.1 (MANE Select); coding-DNA position 466, G replaced by A.
Protein change: p.Glu156Lys; replaces glutamic acid 156 with lysine.
Molecular consequence: missense variant.
Genome position (GRCh38, 1-based): chr2:166,306,511, C>T on the plus strand (G>A on the coding strand, the complement: SCN9A is on the minus strand). VCF-style: chr2-166306511-C-T. GRCh37 (hg19) VCF-style: chr2-167163021-C-T.
Other names: c.466G>A, p.Glu156Lys (NM_002977.4); short protein forms E156K.
Identifiers: ClinVar variation 1372456 (VCV001372456.6), dbSNP rs764699511, ClinGen allele CA1944786.
Genomic context (GRCh38, chr2:166,306,511, plus strand): 5'-AAGGAAAGGATGAAATGATAATACCAAAACTATATTAAAATGTACTTATACCCACTTACT[C>T]GACATTTTTGGTCCAGTCCGGTGGGTTATTCATGGTCATAAATATGCAGTTTGTCAGAAT-3'
Protein context (NP_001352465.1, residues 146-166): NNPPDWTKNV[Glu156Lys]YTFTGIYTFE

ClinVar aggregate classification (germline): Uncertain significance (1 of 4 stars; one submission).

Conditions:
Generalized epilepsy with febrile seizures plus, type 7 (GEFSP7). Also called: GEFS+, TYPE 7. Identifiers: Orphanet 36387, MedGen C2751778, MONDO:0013470, OMIM 613863.
Neuropathy, hereditary sensory and autonomic, type 2A (HSAN2A). Also called: WNK1-Related HSAN2 (HSAN2A); HSAN IIA; NEUROPATHY, CONGENITAL SENSORY; MORVAN DISEASE; NEUROPATHY, HEREDITARY SENSORY RADICULAR, AUTOSOMAL RECESSIVE; NEUROPATHY, HEREDITARY SENSORY, TYPE IIA. Identifiers: Orphanet 970, MedGen C2752089, MONDO:0024309, OMIM 201300.

Allele frequency attached by ClinVar (database versions not stated): TOPMed below 0.00001; gnomAD 0.00002; ExAC 0.00007.

Submission:

Labcorp Genetics (formerly Invitae), Labcorp
Classification: Uncertain significance for Neuropathy, hereditary sensory and autonomic, type 2A; Generalized epilepsy with febrile seizures plus, type 7. Last evaluated: 2023-07-17. Review status: criteria provided, single submitter. Criteria: Invitae Variant Classification Sherloc (09022015). Collection method: clinical testing. Allele origin: germline.
Comment: In summary, the available evidence is currently insufficient to determine the role of this variant in disease. Therefore, it has been classified as a Variant of Uncertain Significance. An algorithm developed to predict the effect of missense changes on protein structure and function (PolyPhen-2) suggests that this variant is likely to be tolerated. ClinVar contains an entry for this variant (Variation ID: 1372456). This variant has not been reported in the literature in individuals affected with SCN9A-related conditions. The frequency data for this variant in the population databases is considered unreliable, as metrics indicate poor data quality at this position in the gnomAD database. This sequence change replaces glutamic acid, which is acidic and polar, with lysine, which is basic and polar, at codon 156 of the SCN9A protein (p.Glu156Lys).